The following is an entry in ClinVar:

NM_000355.4(TCN2):c.428-7C>T

Gene: TCN2 (transcobalamin 2; plus strand). Cytogenetic location: 22q12.2.
Variant type: single nucleotide variant.
Coding change: c.428-7C>T on transcript NM_000355.4 (MANE Select); 7 bases into the intron before coding-DNA position 428, C replaced by T.
Molecular consequence: intron variant.
Genome position (GRCh38, 1-based): chr22:30,614,342, C>T. VCF-style: chr22-30614342-C-T. GRCh37 (hg19) VCF-style: chr22-31010329-C-T.
Other names: c.347-7C>T (NM_001184726.2).
Identifiers: ClinVar variation 748924 (VCV000748924.13), dbSNP rs778810764, ClinGen allele CA10184663.

ClinVar aggregate classification (germline): Conflicting classifications of pathogenicity. Review status: criteria provided, conflicting classifications (1 of 4 stars). 4 submissions from 4 submitters: Uncertain significance (1); Likely benign (3). Last evaluated 2026-08-01.

Conditions:
TCN2-related disorder. Also called: TCN2-related condition.
Transcobalamin II deficiency (TCN2D). Also called: TC II DEFICIENCY; TCN2 DEFICIENCY; Transcolabamin II deficiency. Identifiers: Orphanet 859, MedGen C0342701, MONDO:0010149, OMIM 275350.

Allele frequency attached by ClinVar (database versions not stated): gnomAD 0.00002 and 0.00001; TOPMed 0.00001.
gnomAD v4.1: 59 of 1,613,894 alleles (0.0037%); highest among the groups gnomAD compares: Middle Eastern, 0.033%; no homozygotes.

Submissions (4):

CeGaT Center for Human Genetics Tuebingen
Classification: Uncertain significance. Last evaluated: 2026-08-01. Review status: criteria provided, single submitter. Criteria: CeGaT Center For Human Genetics Tuebingen Variant Classification Criteria Version 2. Collection method: clinical testing. Allele origin: germline. Affected: yes. Observed: 1 variant allele.
Comment: TCN2: PM2, BP4

Labcorp Genetics (formerly Invitae), Labcorp
Classification: Likely benign for Transcobalamin II deficiency. Last evaluated: 2026-01-20. Review status: criteria provided, single submitter. Criteria: Invitae Variant Classification Sherloc (09022015). Collection method: clinical testing. Allele origin: germline.

PreventionGenetics, part of Exact Sciences
Classification: Likely benign for TCN2-related condition. Last evaluated: 2025-06-25. Review status: criteria provided, single submitter. Criteria: ACMG Guidelines, 2015. Collection method: clinical testing. Allele origin: germline.
Comment: This variant is classified as likely benign based on ACMG/AMP sequence variant interpretation guidelines (Richards et al. 2015 PMID: 25741868, with internal and published modifications).

Blueprint Genetics
Classification: Likely benign. Last evaluated: 2023-12-11. Review status: criteria provided, single submitter. Criteria: ACMG Guidelines, 2015. Collection method: clinical testing. Allele origin: germline.